The following is an entry in ClinVar:

ClinVar aggregate classification (germline): Pathogenic (1 of 4 stars; one submission).

Conditions:
Rhabdoid tumor predisposition syndrome 2 (RTPS2). Identifiers: Orphanet 231108, Orphanet 69077, MedGen C2750074, MONDO:0013224, OMIM 613325.

Submission:

Labcorp Genetics (formerly Invitae), Labcorp
Classification: Pathogenic for Rhabdoid tumor predisposition syndrome 2. Last evaluated: 2023-02-18. Review status: criteria provided, single submitter. Criteria: Invitae Variant Classification Sherloc (09022015). Collection method: clinical testing. Allele origin: unknown.
Comment: This variant is a gross deletion of the genomic region encompassing exon(s) 24-25 of the SMARCA4 gene. This deletion is out-of-frame, and is expected to create a premature termination codon and result in an absent or disrupted protein product. Loss-of-function variants in SMARCA4 are known to be pathogenic (PMID: 24658001, 24658002). This variant has not been reported in the literature in individuals affected with SMARCA4-related conditions. For these reasons, this variant has been classified as Pathogenic.

Literature cited by the submitters: PubMed 24658001; PubMed 24658002.

NC_000019.9:g.(?_11138450)_(11141579_?)del

Gene: SMARCA4 (SWI/SNF related BAF chromatin remodeling complex subunit ATPase 4; plus strand). Cytogenetic location: 19p13.2.
Variant type: Deletion.
Identifiers: ClinVar variation 3248480 (VCV003248480.1).